The following is an entry in ClinVar:

ClinVar aggregate classification (germline): Uncertain significance (1 of 4 stars; one submission).

Conditions:
Long QT syndrome (LQTS). Identifiers: MedGen C0023976, MeSH D008133, MONDO:0002442. Disease mechanism: loss of function. Inheritance: Various modes of inheritance.

Submission:

Labcorp Genetics (formerly Invitae), Labcorp
Classification: Uncertain significance for Long QT syndrome. Last evaluated: 2023-09-27. Review status: criteria provided, single submitter. Criteria: Invitae Variant Classification Sherloc (09022015). Collection method: clinical testing. Allele origin: germline.
Comment: In summary, the available evidence is currently insufficient to determine the role of this variant in disease. Therefore, it has been classified as a Variant of Uncertain Significance. An algorithm developed to predict the effect of missense changes on protein structure and function (PolyPhen-2) suggests that this variant is likely to be disruptive. This variant has not been reported in the literature in individuals affected with AKAP9-related conditions. Information on the frequency of this variant in the gnomAD database is not available, as this variant may be reported differently in the database. This sequence change replaces leucine, which is neutral and non-polar, with lysine, which is basic and polar, at codon 430 of the AKAP9 protein (p.Leu430Lys).

NM_005751.5(AKAP9):c.1288_1289inv (p.Leu430Lys)

Gene: AKAP9 (A-kinase anchoring protein 9; plus strand). Cytogenetic location: 7q21.2.
Variant type: Inversion.
Coding change: c.1288_1289inv on transcript NM_005751.5 (MANE Select).
Protein change: p.Leu430Lys; replaces leucine 430 with lysine.
Molecular consequence: missense variant.
Genome position: GRCh38 VCF-style: chr7-92001205-TT-AA. GRCh37 (hg19) VCF-style: chr7-91630519-TT-AA.
Other names: c.1288_1289inv, p.Leu430Lys (NM_147185.3); short protein forms L430K.
Identifiers: ClinVar variation 2954890 (VCV002954890.3), ClinGen allele CA2740097417.